The following is an entry in ClinVar:

ClinVar aggregate classification (germline): Uncertain significance (1 of 4 stars; one submission).

gnomAD v4.1: 2 of 1,614,018 alleles (0.00012%); highest among the groups gnomAD compares: East Asian, 0.0045%; no homozygotes.

Submission:

Ambry Genetics
Classification: Uncertain significance. Last evaluated: 2025-10-14. Review status: criteria provided, single submitter. Criteria: Ambry Variant Classification Scheme 2023. Collection method: clinical testing. Allele origin: germline.
Comment: The c.498G>C (p.M166I) alteration is located in exon 1 (coding exon 1) of the TAS2R50 gene. This alteration results from a G to C substitution at nucleotide position 498, causing the methionine (M) at amino acid position 166 to be replaced by an isoleucine (I). Based on data from gnomAD, the C allele has an overall frequency of <0.001% (1/251112) total alleles studied. The highest observed frequency was 0.005% (1/18388) of East Asian alleles. Based on insufficient or conflicting evidence, the clinical significance of this alteration remains unclear.

NM_176890.2(TAS2R50):c.498G>C (p.Met166Ile)

Genes: PRH1 (proline rich protein HaeIII subfamily 1; minus strand), PRH1-PRR4 (PRH1-PRR4 readthrough; minus strand), PRH1-TAS2R14 (PRH1-TAS2R14 readthrough; minus strand), TAS2R50 (taste 2 receptor member 50; minus strand). Cytogenetic location: 12p13.2.
Variant type: single nucleotide variant.
Coding change: c.498G>C on transcript NM_176890.2 (MANE Select); coding-DNA position 498, G replaced by C.
Protein change: p.Met166Ile; replaces methionine 166 with isoleucine.
Molecular consequence: missense variant. On other transcripts: intron variant (3).
Genome position (GRCh38, 1-based): chr12:10,986,363, C>G on the plus strand (G>C on the coding strand, the complement: TAS2R50 is on the minus strand). VCF-style: chr12-10986363-C-G. GRCh37 (hg19) VCF-style: chr12-11138962-C-G.
Other names: c.37-12642G>C (NM_001291315.2); c.-125-12642G>C (NM_001291314.2); c.141-12642G>C (NM_001316893.2); short protein forms M166I.
Identifiers: ClinVar variation 4592859 (VCV004592859.1).